The following is an entry in ClinVar:

NM_005751.5(AKAP9):c.6344C>A (p.Ala2115Glu)

Gene: AKAP9 (A-kinase anchoring protein 9; plus strand). Cytogenetic location: 7q21.2.
Variant type: single nucleotide variant.
Coding change: c.6344C>A on transcript NM_005751.5 (MANE Select); coding-DNA position 6344, C replaced by A.
Protein change: p.Ala2115Glu; replaces alanine 2115 with glutamic acid.
Molecular consequence: missense variant.
Genome position (GRCh38, 1-based): chr7:92,070,043, C>A. VCF-style: chr7-92070043-C-A. GRCh37 (hg19) VCF-style: chr7-91699357-C-A.
Other names: c.989C>A, p.Ala330Glu (NM_001379277.1); c.6344C>A, p.Ala2115Glu (NM_147185.3); short protein forms A2115E, A330E.
Identifiers: ClinVar variation 2122434 (VCV002122434.4), dbSNP rs2535218264, ClinGen allele CA368133986.

ClinVar aggregate classification (germline): Uncertain significance (1 of 4 stars; one submission).

Conditions:
Long QT syndrome (LQTS). Identifiers: MedGen C0023976, MeSH D008133, MONDO:0002442. Disease mechanism: loss of function. Inheritance: Various modes of inheritance.

Submission:

Labcorp Genetics (formerly Invitae), Labcorp
Classification: Uncertain significance for Long QT syndrome. Last evaluated: 2022-05-09. Review status: criteria provided, single submitter. Criteria: Invitae Variant Classification Sherloc (09022015). Collection method: clinical testing. Allele origin: germline.
Comment: In summary, the available evidence is currently insufficient to determine the role of this variant in disease. Therefore, it has been classified as a Variant of Uncertain Significance. Algorithms developed to predict the effect of missense changes on protein structure and function (SIFT, PolyPhen-2, Align-GVGD) all suggest that this variant is likely to be tolerated. This variant has not been reported in the literature in individuals affected with AKAP9-related conditions. This variant is not present in population databases (gnomAD no frequency). This sequence change replaces alanine, which is neutral and non-polar, with glutamic acid, which is acidic and polar, at codon 2115 of the AKAP9 protein (p.Ala2115Glu).